The following is an entry in ClinVar:

NM_024757.5(EHMT1):c.3891C>G (p.Pro1297=)

Gene: EHMT1 (euchromatic histone lysine methyltransferase 1; plus strand). Cytogenetic location: 9q34.3.
Variant type: single nucleotide variant.
Coding change: c.3891C>G on transcript NM_024757.5 (MANE Select); coding-DNA position 3891, C replaced by G.
Protein change: p.Pro1297=; no amino-acid change (proline 1297 retained).
Molecular consequence: synonymous variant.
Genome position (GRCh38, 1-based): chr9:137,834,947, C>G. VCF-style: chr9-137834947-C-G. GRCh37 (hg19) VCF-style: chr9-140729399-C-G.
Other names: c.3870C>G, p.Pro1290= (NM_001354263.2); c.3891C>G (NM_024757.4).
Identifiers: ClinVar variation 2777263 (VCV002777263.5), dbSNP rs1220939158, ClinGen allele CA468161205.

ClinVar aggregate classification (germline): Likely benign. Review status: criteria provided, single submitter (1 of 4 stars). 2 submissions from 2 submitters: Likely benign (1). 1 of the submissions does not count toward it. Last evaluated 2023-10-15.

Conditions:
EHMT1-related disorder. Also called: EHMT1-related condition.
Kleefstra syndrome 1 (KLEFS1). Identifiers: Orphanet 261494, MedGen C0795833, MONDO:0027407, OMIM 610253.

gnomAD v4.1: 11 of 1,459,450 alleles (0.00075%); highest among the groups gnomAD compares: Non-Finnish European, 0.00081%; no homozygotes.

Submissions (2):

Labcorp Genetics (formerly Invitae), Labcorp
Classification: Likely benign for Kleefstra syndrome 1. Last evaluated: 2023-10-15. Review status: criteria provided, single submitter. Criteria: Invitae Variant Classification Sherloc (09022015). Collection method: clinical testing. Allele origin: germline.

PreventionGenetics, part of Exact Sciences
Classification: Likely benign for EHMT1-related condition. Last evaluated: 2021-07-12. Review status: no assertion criteria provided. Collection method: clinical testing. Allele origin: germline. Not counted in ClinVar's aggregate classification.
Comment: This variant is classified as likely benign based on ACMG/AMP sequence variant interpretation guidelines (Richards et al. 2015 PMID: 25741868, with internal and published modifications).